The following is an entry in ClinVar:

NM_058216.3(RAD51C):c.209C>T (p.Thr70Ile)

Gene: RAD51C (RAD51 paralog C; plus strand). Cytogenetic location: 17q22.
Variant type: single nucleotide variant.
Coding change: c.209C>T on transcript NM_058216.3 (MANE Select); coding-DNA position 209, C replaced by T.
Protein change: p.Thr70Ile; replaces threonine 70 with isoleucine.
Molecular consequence: missense variant. On other transcripts: non-coding transcript variant (2).
Genome position (GRCh38, 1-based): chr17:58,694,994, C>T. VCF-style: chr17-58694994-C-T. GRCh37 (hg19) VCF-style: chr17-56772355-C-T.
Other names: c.209C>T, p.Thr70Ile (NM_002876.4); short protein forms T70I.
Identifiers: ClinVar variation 409858 (VCV000409858.12), dbSNP rs1060502599, ClinGen allele CA16615739.

ClinVar aggregate classification (germline): Conflicting classifications of pathogenicity. Review status: criteria provided, conflicting classifications (1 of 4 stars). 2 submissions from 2 submitters: Uncertain significance (1); Benign (1). Last evaluated 2025-10-24.

Conditions:
Fanconi anemia complementation group O. Also called: RAD51C-Related Fanconi Anemia. Identifiers: Orphanet 84, MedGen C3150653, MONDO:0013248, OMIM 613390.
Hereditary cancer-predisposing syndrome. Also called: Hereditary neoplastic syndrome; Neoplastic Syndromes, Hereditary; Tumor predisposition; Hereditary Cancer Syndrome. Identifiers: Orphanet 140162, MedGen C0027672, MeSH D009386, MONDO:0015356.

Allele frequency attached by ClinVar (database versions not stated): gnomAD exomes below 0.00001.
gnomAD v4.1: 2 of 1,614,032 alleles (0.00012%); highest among the groups gnomAD compares: South Asian, 0.0011%; no homozygotes.

Submissions (2):

Ambry Genetics
Classification: Benign for Hereditary cancer-predisposing syndrome. Last evaluated: 2025-10-24. Review status: criteria provided, single submitter. Criteria: Ambry Variant Classification Scheme 2023. Collection method: clinical testing. Allele origin: germline.

Labcorp Genetics (formerly Invitae), Labcorp
Classification: Uncertain significance for Fanconi anemia complementation group O. Last evaluated: 2024-05-21. Review status: criteria provided, single submitter. Criteria: Invitae Variant Classification Sherloc (09022015). Collection method: clinical testing. Allele origin: germline.
Comment: This sequence change replaces threonine, which is neutral and polar, with isoleucine, which is neutral and non-polar, at codon 70 of the RAD51C protein (p.Thr70Ile). This variant is not present in population databases (gnomAD no frequency). This variant has not been reported in the literature in individuals affected with RAD51C-related conditions. ClinVar contains an entry for this variant (Variation ID: 409858). An algorithm developed to predict the effect of missense changes on protein structure and function (PolyPhen-2) suggests that this variant is likely to be tolerated. In summary, the available evidence is currently insufficient to determine the role of this variant in disease. Therefore, it has been classified as a Variant of Uncertain Significance.